The following is an entry in ClinVar:

NM_001077365.2(POMT1):c.1000C>T (p.Arg334Ter)

Gene: POMT1 (protein O-mannosyltransferase 1; plus strand). Cytogenetic location: 9q34.13.
Variant type: single nucleotide variant.
Coding change: c.1000C>T on transcript NM_001077365.2 (MANE Select); coding-DNA position 1000, C replaced by T.
Protein change: p.Arg334Ter; replaces arginine 334 with a stop codon.
Molecular consequence: nonsense. On other transcripts: 5 prime UTR variant (1), non-coding transcript variant (10), intron variant (1).
Genome position (GRCh38, 1-based): chr9:131,512,054, C>T. VCF-style: chr9-131512054-C-T. GRCh37 (hg19) VCF-style: chr9-134387441-C-T.
Other names: c.838C>T, p.Arg280Ter (NM_001077366.2, NM_001353194.2); c.1000C>T, p.Arg334Ter (NM_001136113.2, NM_001374690.1); c.649C>T, p.Arg217Ter (NM_001136114.2, NM_001353195.2, NM_001374691.1 and 1 more transcripts); c.1066C>T, p.Arg356Ter (NM_001353193.2, NM_007171.4); c.910C>T, p.Arg304Ter (NM_001353196.2); c.904C>T, p.Arg302Ter (NM_001353197.2, NM_001353198.2); c.715C>T, p.Arg239Ter (NM_001353199.2); c.544C>T, p.Arg182Ter (NM_001353200.2); and 4 more; short protein forms R182*, R204*, R217*, R239*, R280*, R302*, R304*, R330*.
Identifiers: ClinVar variation 2677993 (VCV002677993.8), dbSNP rs578199793, ClinGen allele CA5293500.

ClinVar aggregate classification (germline): Pathogenic/Likely pathogenic. Review status: criteria provided, multiple submitters, no conflicts (2 of 4 stars). 4 submissions from 4 submitters: Pathogenic (1); Likely pathogenic (3). Last evaluated 2025-11-28.

Conditions:
Muscular dystrophy-dystroglycanopathy (congenital with impaired intellectual development), type B, 1. Also called: MUSCULAR DYSTROPHY, CONGENITAL, POMT1-RELATED; Muscular dystrophy-dystroglycanopathy (congenital with intellectual disability), type B1. Identifiers: MedGen C5436962, MONDO:0013159, OMIM 613155.
Walker-Warburg congenital muscular dystrophy. Also called: Muscular dystrophy-dystroglycanopathy, type A; Walker-Warburg syndrome. Identifiers: Orphanet 899, MedGen C0265221, MONDO:0000171.
Autosomal recessive limb-girdle muscular dystrophy type 2K. Also called: MUSCULAR DYSTROPHY-DYSTROGLYCANOPATHY (LIMB-GIRDLE), TYPE C, 1; MUSCULAR DYSTROPHY, LIMB-GIRDLE, TYPE 2K. Identifiers: Orphanet 86812, MedGen C1836373, MONDO:0012248, OMIM 609308.
POMT1-related disorder. Also called: POMT1-related condition; POMT1-related disorders.
Muscular dystrophy-dystroglycanopathy (congenital with brain and eye anomalies), type A1 (MDDGA1). Also called: COD-MD SYNDROME; Muscular dystrophy-dystroglycanopathy (congenital with brain and eye anomalies), type A, 1; WALKER-WARBURG SYNDROME OR MUSCLE-EYE-BRAIN DISEASE, POMT1-RELATED; Hydrocephalus, agyria and retinal dysplasia; Hard +/- E syndrome; Warburg syndrome. Identifiers: Orphanet 588, Orphanet 899, MedGen C4284790, MONDO:0009364, OMIM 236670.

Allele frequency attached by ClinVar (database versions not stated): ExAC 0.00001; gnomAD exomes 0.00001.

Submissions (4):

Dasa
Classification: Likely pathogenic. Last evaluated: 2025-11-28. Review status: criteria provided, single submitter. Criteria: DASA Assertion Criteria. Collection method: clinical testing. Allele origin: germline.
Comment: NM_001077365.2(POMT1):c.1000C>T (p.Arg334*) is a nonsense variant in POMT1 predicted to introduce a premature termination codon and is predicted to result in an absent or altered protein product. Loss of function is an established disease mechanism for POMT1-associated disorders. Also, this variant is rare in population databases. Based on the currently available evidence, this variant is classified as likely pathogenic.

Labcorp Genetics (formerly Invitae), Labcorp
Classification: Pathogenic for Muscular dystrophy-dystroglycanopathy (congenital with impaired intellectual development), type B, 1; Walker-Warburg congenital muscular dystrophy; Autosomal recessive limb-girdle muscular dystrophy type 2K. Last evaluated: 2025-02-11. Review status: criteria provided, single submitter. Criteria: Invitae Variant Classification Sherloc (09022015). Collection method: clinical testing. Allele origin: germline.
Comment: This sequence change creates a premature translational stop signal (p.Arg356*) in the POMT1 gene. It is expected to result in an absent or disrupted protein product. Loss-of-function variants in POMT1 are known to be pathogenic (PMID: 12369018, 15637732, 16575835). This variant is present in population databases (rs578199793, gnomAD 0.003%). This variant has not been reported in the literature in individuals affected with POMT1-related conditions. ClinVar contains an entry for this variant (Variation ID: 2677993). Algorithms developed to predict the effect of sequence changes on RNA splicing suggest that this variant may disrupt the consensus splice site. For these reasons, this variant has been classified as Pathogenic.

Baylor Genetics
Classification: Likely pathogenic for Muscular dystrophy-dystroglycanopathy (congenital with brain and eye anomalies), type A1. Last evaluated: 2024-02-07. Review status: criteria provided, single submitter. Criteria: ACMG Guidelines, 2015. Collection method: clinical testing. Allele origin: unknown.

Blueprint Genetics
Classification: Likely pathogenic for POMT1-related disorders. Last evaluated: 2022-10-05. Review status: criteria provided, single submitter. Criteria: ACMG Guidelines, 2015. Collection method: clinical testing. Allele origin: germline. Affected: yes. Observed: 2 variant alleles.

Literature cited by the submitters: PubMed 12369018 (cited by Labcorp Genetics (formerly Invitae), Labcorp); PubMed 15637732 (cited by Labcorp Genetics (formerly Invitae), Labcorp); PubMed 16575835 (cited by Labcorp Genetics (formerly Invitae), Labcorp).